The following is an entry in ClinVar:

ClinVar aggregate classification (germline): Uncertain significance (1 of 4 stars; one submission).

Conditions:
Wilms tumor 1 (WT1). Also called: Wilms tumor, somatic. Identifiers: Orphanet 654, MedGen CN033288, MONDO:0008679, OMIM 194070.

gnomAD v4.1: 3 of 1,613,850 alleles (0.00019%); highest among the groups gnomAD compares: Non-Finnish European, 0.00025%; no homozygotes.

Submission:

Color Diagnostics, LLC DBA Color Health
Classification: Uncertain significance for Wilms tumor 1. Last evaluated: 2025-06-03. Review status: criteria provided, single submitter. Criteria: ACMG Guidelines, 2015. Collection method: clinical testing. Allele origin: germline.
Comment: This missense variant replaces serine with cysteine at codon 227 of the WT1 protein. Computational prediction suggests that this variant may not impact protein structure and function. To our knowledge, functional studies have not been reported for this variant. This variant has not been reported in individuals affected with WT1-related disorders in the literature. This variant has not been identified in the general population by the Genome Aggregation Database (gnomAD). The available evidence is insufficient to determine the role of this variant in disease conclusively. Therefore, this variant is classified as a Variant of Uncertain Significance.

NM_024426.6(WT1):c.694A>T (p.Ser232Cys)

Gene: WT1 (WT1 transcription factor; minus strand). Cytogenetic location: 11p13.
Variant type: single nucleotide variant.
Coding change: c.694A>T on transcript NM_024426.6 (MANE Select); coding-DNA position 694, A replaced by T.
Protein change: p.Ser232Cys; replaces serine 232 with cysteine.
Molecular consequence: missense variant. On other transcripts: non-coding transcript variant (2), intron variant (2), 5 prime UTR variant (1).
Genome position (GRCh38, 1-based): chr11:32,428,587, T>A on the plus strand (A>T on the coding strand, the complement: WT1 is on the minus strand). VCF-style: chr11-32428587-T-A. GRCh37 (hg19) VCF-style: chr11-32450133-T-A.
Other names: c.694A>T, p.Ser232Cys (NM_000378.6, NM_001407044.1, NM_001407045.1 and 4 more transcripts); c.43A>T, p.Ser15Cys (NM_001198551.2, NM_001198552.2); c.662-529A>T (NM_001407050.1, NM_001407047.1); c.-69A>T (NM_001407051.1); c.475A>T, p.Ser159Cys (NM_001429031.1, NM_001429032.1, NM_001429033.1 and 1 more transcripts); short protein forms S159C, S15C, S227C, S232C.
Identifiers: ClinVar variation 4756674 (VCV004756674.1).